The following is an entry in ClinVar:

ClinVar aggregate classification (germline): Benign. Review status: criteria provided, multiple submitters, no conflicts (2 of 4 stars). 3 submissions from 3 submitters: Benign (2). 1 of the submissions does not count toward it. Last evaluated 2026-01-27.

Conditions:
DMP1-related disorder. Also called: DMP1-related condition.
Hypophosphatemic rickets, autosomal recessive, 1 (ARHR1). Also called: HYPOPHOSPHATEMIA, AUTOSOMAL RECESSIVE. Identifiers: Orphanet 289176, MedGen C4551495, MONDO:0009430, OMIM 241520. Disease mechanism: loss of function.

Allele frequency attached by ClinVar (database versions not stated): gnomAD 0.00001 and 0.00046; TOPMed 0.00008; gnomAD exomes 0.00062 and 0.00139; ExAC 0.00155; 1000 Genomes Project 30x 0.00406; 1000 Genomes Project 0.00419.
gnomAD v4.1: 991 of 1,614,212 alleles (0.061%); highest among the groups gnomAD compares: South Asian, 1%; 7 homozygotes.

Submissions (3):

Labcorp Genetics (formerly Invitae), Labcorp
Classification: Benign. Last evaluated: 2026-01-27. Review status: criteria provided, single submitter. Criteria: Invitae Variant Classification Sherloc (09022015). Collection method: clinical testing. Allele origin: germline.

Illumina Laboratory Services, Illumina
Classification: Benign for Hypophosphatemic rickets, autosomal recessive, 1. Last evaluated: 2018-01-12. Review status: criteria provided, single submitter. Criteria: ICSL Variant Classification Criteria 13 December 2019. Collection method: clinical testing. Allele origin: germline.
Comment: This variant was observed in the ICSL laboratory as part of a predisposition screen in an ostensibly healthy population. It had not been previously curated by ICSL or reported in the Human Gene Mutation Database (HGMD: prior to June 1st, 2018), and was therefore a candidate for classification through an automated scoring system. Utilizing variant allele frequency, disease prevalence and penetrance estimates, and inheritance mode, an automated score was calculated to assess if this variant is too frequent to cause the disease. Based on the score and internal cut-off values, a variant classified as benign is not then subjected to further curation. The score for this variant resulted in a classification of benign for this disease.

PreventionGenetics, part of Exact Sciences
Classification: Benign for DMP1-related condition. Last evaluated: 2019-05-20. Review status: no assertion criteria provided. Collection method: clinical testing. Allele origin: germline. Not counted in ClinVar's aggregate classification.
Comment: This variant is classified as benign based on ACMG/AMP sequence variant interpretation guidelines (Richards et al. 2015 PMID: 25741868, with internal and published modifications).

NM_004407.4(DMP1):c.1448A>C (p.Asn483Thr)

Genes: DMP1-AS1 (DMP1 and DSPP antisense RNA 1; minus strand), DMP1 (dentin matrix acidic phosphoprotein 1; plus strand). Cytogenetic location: 4q22.1.
Variant type: single nucleotide variant.
Coding change: c.1448A>C on transcript NM_004407.4 (MANE Select); coding-DNA position 1448, A replaced by C.
Protein change: p.Asn483Thr; replaces asparagine 483 with threonine.
Molecular consequence: missense variant.
Genome position (GRCh38, 1-based): chr4:87,663,226, A>C. VCF-style: chr4-87663226-A-C. GRCh37 (hg19) VCF-style: chr4-88584378-A-C.
Other names: c.1400A>C, p.Asn467Thr (NM_001079911.3); short protein forms N483T, N467T.
Identifiers: ClinVar variation 349987 (VCV000349987.15), dbSNP rs574215585, ClinGen allele CA3002206.